The following is an entry in ClinVar:

ClinVar aggregate classification (germline): Uncertain significance (1 of 4 stars; one submission).

Allele frequency attached by ClinVar (database versions not stated): ExAC 0.00001; gnomAD exomes 0.00001; TOPMed 0.00001.
gnomAD v4.1: 12 of 1,607,684 alleles (0.00075%); highest among the groups gnomAD compares: East Asian, 0.0022%; no homozygotes.

Submission:

Labcorp Genetics (formerly Invitae), Labcorp
Classification: Uncertain significance. Last evaluated: 2023-12-30. Review status: criteria provided, single submitter. Criteria: Invitae Variant Classification Sherloc (09022015). Collection method: clinical testing. Allele origin: germline.
Comment: This sequence change affects codon 2484 of the FBN3 mRNA. It is a 'silent' change, meaning that it does not change the encoded amino acid sequence of the FBN3 protein. It affects a nucleotide within the consensus splice site. This variant is present in population databases (rs753948374, gnomAD 0.006%). This variant has not been reported in the literature in individuals affected with FBN3-related conditions. Algorithms developed to predict the effect of sequence changes on RNA splicing suggest that this variant is not likely to affect RNA splicing. In summary, the available evidence is currently insufficient to determine the role of this variant in disease. Therefore, it has been classified as a Variant of Uncertain Significance.

NM_032447.5(FBN3):c.7452C>T (p.Phe2484=)

Gene: FBN3 (fibrillin 3; minus strand). Cytogenetic location: 19p13.2.
Variant type: single nucleotide variant.
Coding change: c.7452C>T on transcript NM_032447.5 (MANE Select); coding-DNA position 7452, C replaced by T.
Protein change: p.Phe2484=; no amino-acid change (phenylalanine 2484 retained).
Molecular consequence: synonymous variant.
Genome position (GRCh38, 1-based): chr19:8,081,004, G>A on the plus strand (C>T on the coding strand, the complement: FBN3 is on the minus strand). VCF-style: chr19-8081004-G-A. GRCh37 (hg19) VCF-style: chr19-8145888-G-A.
Other names: c.7452C>T, p.Phe2484= (NM_001321431.2).
Identifiers: ClinVar variation 2966629 (VCV002966629.3), dbSNP rs753948374, ClinGen allele CA9150884.